The following is an entry in ClinVar:

NM_022896.3(LPIN3):c.2040-162G>A

Gene: LPIN3 (lipin 3; plus strand). Cytogenetic location: 20q12.
Variant type: single nucleotide variant.
Coding change: c.2040-162G>A on transcript NM_022896.3 (MANE Select); 162 bases into the intron before coding-DNA position 2040, G replaced by A.
Molecular consequence: intron variant.
Genome position (GRCh38, 1-based): chr20:41,357,720, G>A. VCF-style: chr20-41357720-G-A. GRCh37 (hg19) VCF-style: chr20-39986360-G-A.
Other names: c.2043-162G>A (NM_001301860.2).
Identifiers: ClinVar variation 2652329 (VCV002652329.24), dbSNP rs56003481, ClinGen allele CA314529110.

ClinVar aggregate classification (germline): Likely benign (1 of 4 stars; one submission).

Allele frequency attached by ClinVar (database versions not stated): 1000 Genomes Project 0.00200; 1000 Genomes Project 30x 0.00250; gnomAD 0.00545; TOPMed 0.00560.
gnomAD v4.1: 818 of 152,324 alleles (0.54%); highest among the groups gnomAD compares: Non-Finnish European, 0.98%; 4 homozygotes.

Submission:

CeGaT Center for Human Genetics Tuebingen
Classification: Likely benign. Last evaluated: 2023-01-01. Review status: criteria provided, single submitter. Criteria: CeGaT Center For Human Genetics Tuebingen Variant Classification Criteria Version 2. Collection method: clinical testing. Allele origin: germline. Affected: yes. Observed: 1 variant allele.
Comment: LPIN3: BS2